The following is an entry in ClinVar:

ClinVar aggregate classification (germline): Uncertain significance (1 of 4 stars; one submission).

Conditions:
Agammaglobulinemia 7, autosomal recessive (AGM7). Also called: AGAMMAGLOBULINEMIA, AUTOSOMAL RECESSIVE, DUE TO PIK3R1 DEFECT. Identifiers: MedGen C3554689, MONDO:0014083, OMIM 615214.
Immunodeficiency 36 with lymphoproliferation. Also called: Immunodeficiency 36; Activated PI3K Delta Syndrome Type 2 (APDS2); ACTIVATED PI3K-DELTA SYNDROME 2. Identifiers: Orphanet 397596, Orphanet 693681, MedGen C4014934, MONDO:0014453, OMIM 616005.
SHORT syndrome. Also called: LIPODYSTROPHY, PARTIAL, WITH RIEGER ANOMALY AND SHORT STATURE; SHORT STATURE, HYPEREXTENSIBILITY, HERNIA, OCULAR DEPRESSION, RIEGER ANOMALY, AND TEETHING DELAY; PIK3R1-Related SHORT Syndrome. Identifiers: Orphanet 3163, MedGen C0878684, MONDO:0010026, OMIM 269880.

gnomAD v4.1: 1 of 1,613,980 alleles (0.000062%); highest among the groups gnomAD compares: South Asian, 0.0011%; no homozygotes.

Submission:

Labcorp Genetics (formerly Invitae), Labcorp
Classification: Uncertain significance for SHORT syndrome; Immunodeficiency 36 with lymphoproliferation; Agammaglobulinemia 7, autosomal recessive. Last evaluated: 2018-11-01. Review status: criteria provided, single submitter. Criteria: Invitae Variant Classification Sherloc (09022015). Collection method: clinical testing. Allele origin: germline.
Comment: This sequence change replaces alanine with valine at codon 185 of the PIK3R1 protein (p.Ala185Val). The alanine residue is moderately conserved and there is a small physicochemical difference between alanine and valine. This variant is not present in population databases (ExAC no frequency). This variant has not been reported in the literature in individuals with PIK3R1-related disease. Algorithms developed to predict the effect of missense changes on protein structure and function are either unavailable or do not agree on the potential impact of this missense change (SIFT: "Deleterious"; PolyPhen-2: "Benign"; Align-GVGD: "Class C0"). In summary, the available evidence is currently insufficient to determine the role of this variant in disease. Therefore, it has been classified as a Variant of Uncertain Significance.

NM_181523.3(PIK3R1):c.554C>T (p.Ala185Val)

Gene: PIK3R1 (phosphoinositide-3-kinase regulatory subunit 1; plus strand). Cytogenetic location: 5q13.1.
Variant type: single nucleotide variant.
Coding change: c.554C>T on transcript NM_181523.3 (MANE Select); coding-DNA position 554, C replaced by T.
Protein change: p.Ala185Val; replaces alanine 185 with valine.
Molecular consequence: missense variant.
Genome position (GRCh38, 1-based): chr5:68,279,653, C>T. VCF-style: chr5-68279653-C-T. GRCh37 (hg19) VCF-style: chr5-67575481-C-T.
Other names: short protein forms A185V.
Identifiers: ClinVar variation 645272 (VCV000645272.9), dbSNP rs1264292969, ClinGen allele CA359873865.